The following is an entry in ClinVar:

NM_001042492.3(NF1):c.6007A>G (p.Ile2003Val)

Gene: NF1 (neurofibromin 1; plus strand). Cytogenetic location: 17q11.2.
Variant type: single nucleotide variant.
Coding change: c.6007A>G on transcript NM_001042492.3 (MANE Select); coding-DNA position 6007, A replaced by G.
Protein change: p.Ile2003Val; replaces isoleucine 2003 with valine.
Molecular consequence: missense variant.
Genome position (GRCh38, 1-based): chr17:31,336,333, A>G. VCF-style: chr17-31336333-A-G. GRCh37 (hg19) VCF-style: chr17-29663351-A-G.
Other names: c.5944A>G, p.Ile1982Val (NM_000267.4); short protein forms I1982V, I2003V.
Identifiers: ClinVar variation 4860904 (VCV004860904.1).
Genomic context (GRCh38, chr17:31,336,333, plus strand): 5'-TTAATTAAAAATTAAATTGGTAGAGTGATTAAAAACATGTTATTTTCCTTCTTCAACTAG[A>G]TTACAGATCTGCTTGATGTTGTACTAGACAGTTTCATCAAAACCAGTGCAACAGGTGGCT-3'
Protein context (NP_001035957.1, residues 1993-2013): QAKIWGSLGQ[Ile2003Val]TDLLDVVLDS

ClinVar aggregate classification (germline): Uncertain significance (1 of 4 stars; one submission).

Conditions:
Cardiovascular phenotype. Identifiers: MedGen CN230736.
Hereditary cancer-predisposing syndrome. Also called: Neoplastic Syndromes, Hereditary; Tumor predisposition; Hereditary Cancer Syndrome; Hereditary neoplastic syndrome. Identifiers: Orphanet 140162, MedGen C0027672, MeSH D009386, MONDO:0015356.

Submission:

Ambry Genetics
Classification: Uncertain significance for Cardiovascular phenotype; Hereditary cancer-predisposing syndrome. Last evaluated: 2026-04-09. Review status: criteria provided, single submitter. Criteria: Ambry Variant Classification Scheme 2023. Collection method: clinical testing. Allele origin: germline.
Comment: The p.I1982V variant (also known as c.5944A>G) is located in coding exon 40 of the NF1 gene. The isoleucine at codon 1982 is replaced by valine, an amino acid with highly similar properties. This change occurs in the first base pair of coding exon 40. This amino acid position is highly conserved in available vertebrate species. In addition, the in silico prediction for this alteration is inconclusive. Based on the available evidence, the clinical significance of this variant remains unclear.